The following is an entry in ClinVar:

NM_004656.4(BAP1):c.1798_1800del (p.Glu600del)

Gene: BAP1 (BRCA1 associated deubiquitinase 1; minus strand). Cytogenetic location: 3p21.1.
Variant type: Deletion.
Coding change: c.1798_1800del on transcript NM_004656.4 (MANE Select); coding-DNA positions 1798 to 1800, 3 bases deleted (GAG; older notation c.1798_1800delGAG).
Protein change: p.Glu600del; deletes glutamic acid 600.
Genome position (GRCh38, 1-based): chr3:52,403,228-52,403,230, CTC deleted on the plus strand (GAG on the coding strand, the reverse complement: BAP1 is on the minus strand); deleting any 3 consecutive bases within chr3:52,403,228-52,403,231 gives the same sequence; the c. name uses the placement nearest the transcript's 3' end. VCF-style (leftmost placement, unchanged base first): chr3-52403227-TCTC-T. GRCh37 (hg19) VCF-style: chr3-52437243-TCTC-T.
Other names: c.1744_1746del, p.Glu582del (NM_001410772.1); short protein forms E600del, E582del.
Identifiers: ClinVar variation 3672254 (VCV003672254.2).
Genomic context (GRCh38, chr3:52,403,227, plus strand): 5'-GCTCGCCAGGCCTCACCATCCCCGTCTTCTCTCTGCTGTCCGTGGCTTCCACGACCTCCT[TCTC>T]CACTGGGCTGCTGGACCCCTGGCTGCCTTGGATTGGTCTGATGGAGGGCGAGGAACCCTT-3'

ClinVar aggregate classification (germline): Uncertain significance (1 of 4 stars; one submission).

Conditions:
BAP1-related tumor predisposition syndrome (TPDS1). Also called: Tumor susceptibility linked to germline BAP1 mutations; TUMOR PREDISPOSITION SYNDROME 1; BAP1 tumor predisposition syndrome; COMMON Syndrome. Identifiers: Orphanet 289539, MedGen C3280492, MONDO:0013692, OMIM 614327.

Submission:

Labcorp Genetics (formerly Invitae), Labcorp
Classification: Uncertain significance for BAP1-related tumor predisposition syndrome. Last evaluated: 2024-03-14. Review status: criteria provided, single submitter. Criteria: Invitae Variant Classification Sherloc (09022015). Collection method: clinical testing. Allele origin: germline.
Comment: This variant, c.1798_1800del, results in the deletion of 1 amino acid(s) of the BAP1 protein (p.Glu600del), but otherwise preserves the integrity of the reading frame. This variant is not present in population databases (gnomAD no frequency). This variant has not been reported in the literature in individuals affected with BAP1-related conditions. Experimental studies and prediction algorithms are not available or were not evaluated, and the functional significance of this variant is currently unknown. In summary, the available evidence is currently insufficient to determine the role of this variant in disease. Therefore, it has been classified as a Variant of Uncertain Significance.